The following is an entry in ClinVar:

ClinVar aggregate classification (germline): Uncertain significance (1 of 4 stars; one submission).

Conditions:
Wilson disease (WND). Also called: Wilson's disease. Identifiers: Orphanet 905, MedGen C0019202, MONDO:0010200, OMIM 277900. Disease mechanism: loss of function.

Submission:

Labcorp Genetics (formerly Invitae), Labcorp
Classification: Uncertain significance for Wilson disease. Last evaluated: 2022-04-01. Review status: criteria provided, single submitter. Criteria: Invitae Variant Classification Sherloc (09022015). Collection method: clinical testing. Allele origin: germline.
Comment: This variant occurs in a non-coding region of the ATP7B gene. It does not change the encoded amino acid sequence of the ATP7B protein. This variant is not present in population databases (gnomAD no frequency). This variant has not been reported in the literature in individuals affected with ATP7B-related conditions. Experimental studies and prediction algorithms are not available or were not evaluated, and the functional significance of this variant is currently unknown. In summary, the available evidence is currently insufficient to determine the role of this variant in disease. Therefore, it has been classified as a Variant of Uncertain Significance.

NC_000013.11:g.52011773A>G

Genes: ATP7B (ATPase copper transporting beta; minus strand), LOC130009838 (ATAC-STARR-seq lymphoblastoid silent region 5378; plus strand). Cytogenetic location: 13q14.3.
Variant type: single nucleotide variant.
Molecular consequence: intron variant (on NM_001406521.1). On other transcripts: 5 prime UTR variant (4).
Genome position: GRCh38 VCF-style: chr13-52011773-A-G. GRCh37 (hg19) VCF-style: chr13-52585909-A-G.
Other names: c.-55+247T>C (NM_001406521.1, NM_001406513.1, NM_001406511.1 and 4 more transcripts); c.-184+247T>C (NM_001406543.1); c.-238-198T>C (NM_001406528.1); c.-171T>C (NM_001406512.1, NM_001406516.1, NM_001406522.1); c.-355T>C (NM_001406532.1).
Identifiers: ClinVar variation 2113119 (VCV002113119.1), dbSNP rs2547327969, ClinGen allele CA2580087643.